The following is an entry in ClinVar:

NM_000377.3(WAS):c.206G>C (p.Cys69Ser)

Gene: WAS (WASP actin nucleation promoting factor; plus strand). Cytogenetic location: Xp11.23.
Variant type: single nucleotide variant.
Coding change: c.206G>C on transcript NM_000377.3 (MANE Select); coding-DNA position 206, G replaced by C.
Protein change: p.Cys69Ser; replaces cysteine 69 with serine.
Molecular consequence: missense variant.
Genome position (GRCh38, 1-based): chrX:48,684,356, G>C. VCF-style: chrX-48684356-G-C. GRCh37 (hg19) VCF-style: chrX-48542745-G-C.
Other names: c.206G>C (NM_000377.2); short protein forms C69S.
Identifiers: ClinVar variation 1299185 (VCV001299185.41), dbSNP rs374283590, ClinGen allele CA10403869.

ClinVar aggregate classification (germline): Conflicting classifications of pathogenicity. Review status: criteria provided, conflicting classifications (1 of 4 stars). 4 submissions from 4 submitters: Uncertain significance (1); Likely benign (3). Last evaluated 2026-01-11.

Conditions:
WAS-related disorder. Also called: WAS-Related Disorders; WAS-related condition. Identifiers: MedGen CN381538.
X-linked severe congenital neutropenia (SCNX). Identifiers: Orphanet 86788, MedGen C1845987, MONDO:0010294, OMIM 300299.
Thrombocytopenia 1. Also called: X-linked thrombocytopenia with normal platelets; X-Linked Thrombocytopenia (XLT); THROMBOCYTOPENIA, X-LINKED, 1. Identifiers: Orphanet 268322, Orphanet 852, MedGen C1839163, MONDO:0010743, OMIM 313900.
Wiskott-Aldrich syndrome (WAS). Also called: ALDRICH SYNDROME; IMMUNODEFICIENCY 2; WISKOTT-ALDRICH SYNDROME 1; Wiskott-aldrich syndrome, somatic. Identifiers: Orphanet 906, MedGen C0043194, MONDO:0010518, OMIM 301000.
Inborn genetic diseases. Identifiers: MedGen C0950123, MeSH D030342.

Allele frequency attached by ClinVar (database versions not stated): gnomAD exomes 0.00001 and 0.00003; ExAC 0.00007; gnomAD 0.00010 and 0.00011; TOPMed 0.00014; ESP Exome Variant Server 0.00019.
gnomAD v4.1: 19 of 1,209,858 alleles (0.0016%); highest among the groups gnomAD compares: African/African-American, 0.032%; no homozygotes.

Submissions (4):

Labcorp Genetics (formerly Invitae), Labcorp
Classification: Likely benign for Wiskott-Aldrich syndrome; X-linked severe congenital neutropenia; Thrombocytopenia 1. Last evaluated: 2026-01-11. Review status: criteria provided, single submitter. Criteria: Invitae Variant Classification Sherloc (09022015). Collection method: clinical testing. Allele origin: germline.

Ambry Genetics
Classification: Likely benign for Inborn genetic diseases. Last evaluated: 2025-08-23. Review status: criteria provided, single submitter. Criteria: Ambry Variant Classification Scheme 2023. Collection method: clinical testing. Allele origin: germline.

PreventionGenetics, part of Exact Sciences
Classification: Uncertain significance for WAS-related condition. Last evaluated: 2023-09-17. Review status: criteria provided, single submitter. Criteria: ACMG Guidelines, 2015. Collection method: clinical testing. Allele origin: germline.
Comment: The WAS c.206G>C variant is predicted to result in the amino acid substitution p.Cys69Ser. To our knowledge, this variant has not been reported in the literature. This variant is reported in 0.037% of alleles in individuals of African descent in gnomAD, including one hemizygous individual, which may be too common to be causative. Although we suspect that this variant may be benign, at this time, the clinical significance of this variant is uncertain due to the absence of conclusive functional and genetic evidence.

CeGaT Center for Human Genetics Tuebingen
Classification: Likely benign. Last evaluated: 2021-09-01. Review status: criteria provided, single submitter. Criteria: CeGaT Center For Human Genetics Tuebingen Variant Classification Criteria Version 2. Collection method: clinical testing. Allele origin: germline. Affected: yes. Observed: 1 variant allele.